The following is an entry in ClinVar:

ClinVar aggregate classification (germline): Pathogenic (1 of 4 stars; one submission).

Conditions:
Ehlers-Danlos syndrome, classic type, 1 (EDSCL1). Also called: EHLERS-DANLOS SYNDROME, GRAVIS TYPE; EHLERS-DANLOS SYNDROME, SEVERE CLASSIC TYPE; Ehlers-Danlos syndrome, type 1; Ehlers-Danlos Syndrome, Classic Type, COL5A1-Related; EDS I. Identifiers: MedGen C0268335, MONDO:0019567, OMIM 130000.

Submission:

Labcorp Genetics (formerly Invitae), Labcorp
Classification: Pathogenic for Ehlers-Danlos syndrome, classic type, 1. Last evaluated: 2024-06-19. Review status: criteria provided, single submitter. Criteria: Invitae Variant Classification Sherloc (09022015). Collection method: clinical testing. Allele origin: germline.
Comment: This sequence change creates a premature translational stop signal (p.Gly1252Valfs*24) in the COL5A1 gene. It is expected to result in an absent or disrupted protein product. Loss-of-function variants in COL5A1 are known to be pathogenic (PMID: 23587214). This variant is not present in population databases (gnomAD no frequency). This variant has not been reported in the literature in individuals affected with COL5A1-related conditions. For these reasons, this variant has been classified as Pathogenic.

Literature cited by the submitters: PubMed 23587214.

NM_000093.5(COL5A1):c.3755del (p.Gly1252fs)

Gene: COL5A1 (collagen type V alpha 1 chain; plus strand). Cytogenetic location: 9q34.3.
Variant type: Deletion.
Coding change: c.3755del on transcript NM_000093.5 (MANE Select); coding-DNA position 3755, one base deleted (G; older notation c.3755delG).
Protein change: p.Gly1252fs; shifts the reading frame from glycine 1252.
Molecular consequence: frameshift variant.
Genome position (GRCh38, 1-based): chr9:134,812,615, G deleted; the last of 3 consecutive G bases (chr9:134,812,613-134,812,615); deleting any one gives the same sequence. VCF-style (leftmost placement, unchanged base first): chr9-134812612-CG-C. GRCh37 (hg19) VCF-style: chr9-137704458-CG-C.
Other names: c.3755del, p.Gly1252fs (NM_001278074.1); short protein forms G1252fs.
Identifiers: ClinVar variation 3667908 (VCV003667908.2).
Genomic context (GRCh38, chr9:134,812,612, plus strand): 5'-TTGGGGAAACATTTGCGTTTCCTCTGGGCTCAGTGGTCTCTCCCTTTTCCTAGGGCCCCC[CG>C]GGTCCCCCTGGCCCCCGAGGACCCTCCGGAGCTCCAGGTGCTGATGGCCCACAAGGTCCC-3'